The following is an entry in ClinVar:

NM_001009944.3(PKD1):c.8267C>T (p.Thr2756Ile)

Gene: PKD1 (polycystin 1, transient receptor potential channel interacting; minus strand). Cytogenetic location: 16p13.3.
Variant type: single nucleotide variant.
Coding change: c.8267C>T on transcript NM_001009944.3 (MANE Select); coding-DNA position 8267, C replaced by T.
Protein change: p.Thr2756Ile; replaces threonine 2756 with isoleucine.
Molecular consequence: missense variant.
Genome position (GRCh38, 1-based): chr16:2,103,790, G>A on the plus strand (C>T on the coding strand, the complement: PKD1 is on the minus strand). VCF-style: chr16-2103790-G-A. GRCh37 (hg19) VCF-style: chr16-2153791-G-A.
Other names: c.8267C>T, p.Thr2756Ile (NM_000296.4); short protein forms T2756I.
Identifiers: ClinVar variation 1805372 (VCV001805372.2), dbSNP rs141296093, ClinGen allele CA7830587.

ClinVar aggregate classification (germline): Likely benign. Review status: criteria provided, multiple submitters, no conflicts (2 of 4 stars). 2 submissions from 2 submitters: Likely benign (2). Last evaluated 2025-03-05.

Conditions:
Polycystic kidney disease, adult type (PKD1). Also called: POLYCYSTIC KIDNEY DISEASE, ADULT, TYPE I; Polycystic Kidney, Autosomal Dominant; Polycystic Kidney Disease 1, Autosomal Dominant; Polycystic kidney disease 1; Polycystic kidney disease 1, severe; POLYCYSTIC KIDNEY DISEASE 1 WITH OR WITHOUT POLYCYSTIC LIVER DISEASE. Identifiers: MedGen C3149841, MONDO:0008263, OMIM 173900.
PKD1-related disorder. Also called: PKD1-related condition.

Allele frequency attached by ClinVar (database versions not stated): gnomAD 0.00013; TOPMed 0.00015; ExAC 0.00020; gnomAD exomes 0.00022; ESP Exome Variant Server 0.00023.
gnomAD v4.1: 345 of 1,609,710 alleles (0.021%); highest among the groups gnomAD compares: East Asian, 0.047%; no homozygotes.

Submissions (2):

PreventionGenetics, part of Exact Sciences
Classification: Likely benign for PKD1-related condition. Last evaluated: 2025-03-05. Review status: criteria provided, single submitter. Criteria: ACMG Guidelines, 2015. Collection method: clinical testing. Allele origin: germline.
Comment: This variant is classified as likely benign based on ACMG/AMP sequence variant interpretation guidelines (Richards et al. 2015 PMID: 25741868, with internal and published modifications).

Victorian Clinical Genetics Services, Murdoch Childrens Research Institute
Classification: Likely benign for Polycystic kidney disease, adult type. Last evaluated: 2020-06-11. Review status: criteria provided, single submitter. Criteria: ACMG Guidelines, 2015. Collection method: clinical testing. Allele origin: germline. Inheritance: Autosomal dominant inheritance.
Comment: Based on the classification scheme VCGS_Germline_v1.1.1, this variant is classified as Likely Benign. Following criteria are met: 0102 - Loss-of-function is a known mechanism of disease for this gene. (N) 0107 - This gene is known to be associated with autosomal dominant disease, predominantly caused by monoallelic variants, with rare reports of biallelic variants causing disease (OMIM). (N) 0200 - Variant is predicted to result in a missense amino acid change from threonine to isoleucine (exon 23). (N) 0251 - Variant is heterozygous. (N) 0308 - Population frequency for this variant is out of keeping with known incidence of polycystic kidney disease (gnomAD (v2) 49 heterozygotes, 0 homozygotes). (B) 0503 - Missense variant consistently predicted to be tolerated or not conserved in mammals with a minor amino acid change. (B) 0600 - Variant is located in an annotated domain or motif (REJ domain; UniProt). (N) 0705 - No comparable variants have previous evidence for pathogenicity. (N) 0807 - Variant has not previously been reported in a clinical context. (N) 0905 - No segregation evidence has been identified for this variant. (N) 1007 - No published functional evidence has been identified for this variant. (N) 1208 - Inheritance information for this variant is not currently available. (N) Legend: (P) - Pathogenic, (N) - Neutral, (B) - Benign